The following is an entry in ClinVar:

ClinVar aggregate classification (germline): Uncertain significance. Review status: criteria provided, multiple submitters, no conflicts (2 of 4 stars). 3 submissions from 3 submitters: Uncertain significance (3). Last evaluated 2024-02-25.

Conditions:
Autosomal dominant Alport syndrome (ATS3A). Also called: Alport syndrome dominant type; Renal failure and sensorineural hearing loss; ALPORT SYNDROME 3A, AUTOSOMAL DOMINANT. Identifiers: Orphanet 63, Orphanet 88918, MedGen C5882663, MONDO:0007086, OMIM 104200.

Allele frequency attached by ClinVar (database versions not stated): ExAC 0.00001; gnomAD 0.00002; TOPMed 0.00002.
gnomAD v4.1: 63 of 1,613,964 alleles (0.0039%); highest among the groups gnomAD compares: Non-Finnish European, 0.0052%; 1 homozygote.

Submissions (3):

Labcorp Genetics (formerly Invitae), Labcorp
Classification: Uncertain significance. Last evaluated: 2024-02-25. Review status: criteria provided, single submitter. Criteria: Invitae Variant Classification Sherloc (09022015). Collection method: clinical testing. Allele origin: germline.
Comment: This sequence change replaces proline, which is neutral and non-polar, with leucine, which is neutral and non-polar, at codon 556 of the COL4A3 protein (p.Pro556Leu). This variant is present in population databases (rs768989338, gnomAD 0.006%). This variant has not been reported in the literature in individuals affected with COL4A3-related conditions. Advanced modeling of protein sequence and biophysical properties (such as structural, functional, and spatial information, amino acid conservation, physicochemical variation, residue mobility, and thermodynamic stability) has been performed at Invitae for this missense variant, however the output from this modeling did not meet the statistical confidence thresholds required to predict the impact of this variant on COL4A3 protein function. In summary, the available evidence is currently insufficient to determine the role of this variant in disease. Therefore, it has been classified as a Variant of Uncertain Significance.

Blueprint Genetics
Classification: Uncertain significance. Last evaluated: 2021-08-04. Review status: criteria provided, single submitter. Criteria: ACMG Guidelines, 2015. Collection method: clinical testing. Allele origin: germline.

Neuberg Centre For Genomic Medicine, NCGM
Classification: Uncertain significance for Autosomal dominant Alport syndrome. Review status: criteria provided, single submitter. Criteria: ACMG Guidelines, 2015. Collection method: clinical testing. Allele origin: germline. Inheritance: Autosomal dominant inheritance. Affected: yes.
Comment: The observed missense c.1667C>T (p.Pro556Leu) variant in COL4A3 gene has not been reported previously as a pathogenic variant nor as a benign variant, to our knowledge. The p.Pro556Leu variant is present with allele frequency of 0.002% in gnomAD Exomes. This variant has not been submitted to the ClinVar database. Multiple lines of computational evidence (Polyphen - Probably Damaging, SIFT - Damaging and MutationTaster - Disease causing) predict a damaging effect on protein structure and function for this variant. The reference amino acid of p.Pro556Leu in COL4A3 is predicted as conserved by GERP++ and PhyloP across 100 vertebrates. The amino acid Pro at position 556 is changed to a Leu changing protein sequence and it might alter its composition and physico-chemical properties. For these reasons, this variant has been classified as a Variant of Uncertain Significance (VUS).

NM_000091.5(COL4A3):c.1667C>T (p.Pro556Leu)

Genes: COL4A3 (collagen type IV alpha 3 chain; plus strand), MFF-DT (MFF divergent transcript; minus strand). Cytogenetic location: 2q36.3.
Variant type: single nucleotide variant.
Coding change: c.1667C>T on transcript NM_000091.5 (MANE Select); coding-DNA position 1667, C replaced by T.
Protein change: p.Pro556Leu; replaces proline 556 with leucine.
Molecular consequence: missense variant.
Genome position (GRCh38, 1-based): chr2:227,270,861, C>T. VCF-style: chr2-227270861-C-T. GRCh37 (hg19) VCF-style: chr2-228135577-C-T.
Other names: short protein forms P556L.
Identifiers: ClinVar variation 2721673 (VCV002721673.5), dbSNP rs768989338, ClinGen allele CA2146733.
Genomic context (GRCh38, chr2:227,270,861, plus strand): 5'-TTAAAGGAGAAAAAGGTGAAACACTTCAGCCTGAGGGGCAAGTGGGTGTCCCAGGTGACC[C>T]GGGGCTCAGAGGCCAACCTGGGAGAAAGGGCTTGGATGGAATTCCTGGAACTCCGGGAGT-3'
Protein context (NP_000082.2, residues 546-566): PEGQVGVPGD[Pro556Leu]GLRGQPGRKG